The following is an entry in ClinVar:

NM_033004.4(NLRP1):c.172G>A (p.Val58Met)

Gene: NLRP1 (NLR family pyrin domain containing 1; minus strand). Cytogenetic location: 17p13.2.
Variant type: single nucleotide variant.
Coding change: c.172G>A on transcript NM_033004.4 (MANE Select); coding-DNA position 172, G replaced by A.
Protein change: p.Val58Met; replaces valine 58 with methionine.
Molecular consequence: missense variant.
Genome position (GRCh38, 1-based): chr17:5,583,786, C>T on the plus strand (G>A on the coding strand, the complement: NLRP1 is on the minus strand). VCF-style: chr17-5583786-C-T. GRCh37 (hg19) VCF-style: chr17-5487106-C-T.
Other names: c.172G>A (NM_033004.3); c.172G>A, p.Val58Met (NM_001033053.3, NM_014922.5, NM_033006.4 and 1 more transcripts); short protein forms V58M.
Identifiers: ClinVar variation 1471181 (VCV001471181.10), dbSNP rs769494128, ClinGen allele CA287293486.
Genomic context (GRCh38, chr17:5,583,786, plus strand): 5'-CCATCTGCTCCCAGGTATGGAGGGCTAGGTCCCAGGCCCGCTGCTCCCCATACTGAGCCA[C>T]CAGGTACGAGGCCACCTCCATGCCACTCGTCTTCTCTGGCTGAGCGGGTGTCTCACCCGA-3'
Protein context (NP_127497.1, residues 48-68): TSGMEVASYL[Val58Met]AQYGEQRAWD

ClinVar aggregate classification (germline): Uncertain significance. Review status: criteria provided, multiple submitters, no conflicts (2 of 4 stars). 2 submissions from 2 submitters: Uncertain significance (2). Last evaluated 2025-10-13.

Conditions:
Inborn genetic diseases. Identifiers: MedGen C0950123, MeSH D030342.

Allele frequency attached by ClinVar (database versions not stated): gnomAD exomes below 0.00001; gnomAD 0.00001; TOPMed 0.00001.
gnomAD v4.1: 2 of 1,555,406 alleles (0.00013%); highest among the groups gnomAD compares: African/African-American, 0.0027%; no homozygotes.

Submissions (2):

Labcorp Genetics (formerly Invitae), Labcorp
Classification: Uncertain significance. Last evaluated: 2025-10-13. Review status: criteria provided, single submitter. Criteria: Invitae Variant Classification Sherloc (09022015). Collection method: clinical testing. Allele origin: germline.
Comment: This sequence change replaces valine, which is neutral and non-polar, with methionine, which is neutral and non-polar, at codon 58 of the NLRP1 protein (p.Val58Met). This variant is not present in population databases (gnomAD no frequency). This variant has not been reported in the literature in individuals affected with NLRP1-related conditions. ClinVar contains an entry for this variant (Variation ID: 1471181). An algorithm developed to predict the effect of missense changes on protein structure and function (PolyPhen-2) suggests that this variant is likely to be disruptive. In summary, the available evidence is currently insufficient to determine the role of this variant in disease. Therefore, it has been classified as a Variant of Uncertain Significance.

Ambry Genetics
Classification: Uncertain significance for Inborn genetic diseases. Last evaluated: 2023-05-05. Review status: criteria provided, single submitter. Criteria: Ambry Variant Classification Scheme 2023. Collection method: clinical testing. Allele origin: germline.